The following is an entry in ClinVar:

ClinVar aggregate classification (germline): Benign (0 of 4 stars; one submission).

Conditions:
MUC16-related disorder. Also called: MUC16-related condition.

Allele frequency attached by ClinVar (database versions not stated): gnomAD exomes 0.06794; ExAC 0.07751; ESP Exome Variant Server 0.07985; gnomAD 0.08625; TOPMed 0.09119; 1000 Genomes Project 30x 0.12196; 1000 Genomes Project 0.12260.

Submission:

PreventionGenetics, part of Exact Sciences
Classification: Benign for MUC16-related condition. Last evaluated: 2019-11-26. Review status: no assertion criteria provided. Collection method: clinical testing. Allele origin: germline.
Comment: This variant is classified as benign based on ACMG/AMP sequence variant interpretation guidelines (Richards et al. 2015 PMID: 25741868, with internal and published modifications).

NM_001401501.2(MUC16):c.10370G>A (p.Arg3457Gln)

Gene: MUC16 (mucin 16, cell surface associated; minus strand). Cytogenetic location: 19p13.2.
Variant type: single nucleotide variant.
Coding change: c.10370G>A on transcript NM_001401501.2 (MANE Select); coding-DNA position 10370, G replaced by A.
Protein change: p.Arg3457Gln; replaces arginine 3457 with glutamine.
Molecular consequence: missense variant.
Genome position (GRCh38, 1-based): chr19:8,966,520, C>T on the plus strand (G>A on the coding strand, the complement: MUC16 is on the minus strand). VCF-style: chr19-8966520-C-T. GRCh37 (hg19) VCF-style: chr19-9077196-C-T.
Other names: c.10796G>A, p.Arg3599Gln (NM_001414686.1); c.10250G>A, p.Arg3417Gln (NM_001414687.1, NM_024690.2); short protein forms R3417Q, R3457Q, R3599Q.
Identifiers: ClinVar variation 3056297 (VCV003056297.2), dbSNP rs7254941, ClinGen allele CA9171503.